The following is an entry in ClinVar:

ClinVar aggregate classification (germline): Uncertain significance. Review status: criteria provided, multiple submitters, no conflicts (2 of 4 stars). 3 submissions from 3 submitters: Uncertain significance (3). Last evaluated 2025-12-07.

Conditions:
Aortic valve disease 2 (AOVD2). Identifiers: MedGen C3542024, MONDO:0013902, OMIM 614823.
Inborn genetic diseases. Identifiers: MedGen C0950123, MeSH D030342.

Allele frequency attached by ClinVar (database versions not stated): gnomAD 0.00001.
gnomAD v4.1: 2 of 1,318,666 alleles (0.00015%); highest among the groups gnomAD compares: Non-Finnish European, 0.00019%; no homozygotes.

Submissions (3):

Ambry Genetics
Classification: Uncertain significance for Inborn genetic diseases. Last evaluated: 2025-12-07. Review status: criteria provided, single submitter. Criteria: Ambry Variant Classification Scheme 2023. Collection method: clinical testing. Allele origin: germline.
Comment: The p.P222Q variant (also known as c.665C>A), located in coding exon 1 of the SMAD6 gene, results from a C to A substitution at nucleotide position 665. The proline at codon 222 is replaced by glutamine, an amino acid with similar properties. This amino acid position is conserved. In addition, the in silico prediction for this alteration is inconclusive. Based on the available evidence, the clinical significance of this variant remains unclear.

Labcorp Genetics (formerly Invitae), Labcorp
Classification: Uncertain significance for Aortic valve disease 2. Last evaluated: 2024-02-13. Review status: criteria provided, single submitter. Criteria: Invitae Variant Classification Sherloc (09022015). Collection method: clinical testing. Allele origin: germline.
Comment: This sequence change replaces proline, which is neutral and non-polar, with glutamine, which is neutral and polar, at codon 222 of the SMAD6 protein (p.Pro222Gln). This variant is not present in population databases (gnomAD no frequency). This variant has not been reported in the literature in individuals affected with SMAD6-related conditions. Advanced modeling of protein sequence and biophysical properties (such as structural, functional, and spatial information, amino acid conservation, physicochemical variation, residue mobility, and thermodynamic stability) performed at Invitae indicates that this missense variant is not expected to disrupt SMAD6 protein function with a negative predictive value of 80%. In summary, the available evidence is currently insufficient to determine the role of this variant in disease. Therefore, it has been classified as a Variant of Uncertain Significance.

CeGaT Center for Human Genetics Tuebingen
Classification: Uncertain significance. Last evaluated: 2024-01-01. Review status: criteria provided, single submitter. Criteria: CeGaT Center For Human Genetics Tuebingen Variant Classification Criteria Version 2. Collection method: clinical testing. Allele origin: germline. Affected: yes. Observed: 1 variant allele.
Comment: SMAD6: PM2, PP2, PP3, PS2:Supporting

NM_005585.5(SMAD6):c.665C>A (p.Pro222Gln)

Gene: SMAD6 (SMAD family member 6; plus strand). Cytogenetic location: 15q22.31.
Variant type: single nucleotide variant.
Coding change: c.665C>A on transcript NM_005585.5 (MANE Select); coding-DNA position 665, C replaced by A.
Protein change: p.Pro222Gln; replaces proline 222 with glutamine.
Molecular consequence: missense variant. On other transcripts: non-coding transcript variant (1).
Genome position (GRCh38, 1-based): chr15:66,703,923, C>A. VCF-style: chr15-66703923-C-A. GRCh37 (hg19) VCF-style: chr15-66996261-C-A.
Other names: c.665C>A (NM_005585.4); short protein forms P222Q.
Identifiers: ClinVar variation 3026822 (VCV003026822.24), dbSNP rs1202204558, ClinGen allele CA392949999.